The following is an entry in ClinVar:

ClinVar aggregate classification (germline): Uncertain significance (1 of 4 stars; one submission).

gnomAD v4.1: 2 of 1,599,230 alleles (0.00013%); highest among the groups gnomAD compares: Admixed American, 0.0035%; no homozygotes.

Submission:

Labcorp Genetics (formerly Invitae), Labcorp
Classification: Uncertain significance. Last evaluated: 2025-11-25. Review status: criteria provided, single submitter. Criteria: Invitae Variant Classification Sherloc (09022015). Collection method: clinical testing. Allele origin: germline.
Comment: This sequence change replaces glutamic acid, which is acidic and polar, with glycine, which is neutral and non-polar, at codon 613 of the TOP2B protein (p.Glu613Gly). This variant is not present in population databases (gnomAD no frequency). This variant has not been reported in the literature in individuals affected with TOP2B-related conditions. An algorithm developed to predict the effect of missense changes on protein structure and function (PolyPhen-2) suggests that this variant is likely to be tolerated. In summary, the available evidence is currently insufficient to determine the role of this variant in disease. Therefore, it has been classified as a Variant of Uncertain Significance.

NM_001330700.2(TOP2B):c.1853A>G (p.Glu618Gly)

Gene: TOP2B (DNA topoisomerase II beta; minus strand). Cytogenetic location: 3p24.2.
Variant type: single nucleotide variant.
Coding change: c.1853A>G on transcript NM_001330700.2 (MANE Select); coding-DNA position 1853, A replaced by G.
Protein change: p.Glu618Gly; replaces glutamic acid 618 with glycine.
Molecular consequence: missense variant.
Genome position (GRCh38, 1-based): chr3:25,628,900, T>C on the plus strand (A>G on the coding strand, the complement: TOP2B is on the minus strand). VCF-style: chr3-25628900-T-C. GRCh37 (hg19) VCF-style: chr3-25670391-T-C.
Other names: c.1838A>G, p.Glu613Gly (NM_001068.3); short protein forms E618G, E613G.
Identifiers: ClinVar variation 4690549 (VCV004690549.1).
Genomic context (GRCh38, chr3:25,628,900, plus strand): 5'-TACAAACCTTTATAGTACTTTATTTTCCAGGCTTTCTGGTTTTCTATATGTTTTTTCCAT[T>C]CGTCAAATTCAGGAATACTGTAGAAGGAAAGTTCCTGCTTATTTTTGCTTGCCTTAAATT-3'
Protein context (NP_001317629.1, residues 608-628): LSFYSIPEFD[Glu618Gly]WKKHIENQKA